The following is an entry in ClinVar:

ClinVar aggregate classification (germline): Likely benign. Review status: criteria provided, single submitter (1 of 4 stars). 2 submissions from 2 submitters: Likely benign (1). 1 of the submissions does not count toward it. Last evaluated 2026-01-22.

Conditions:
LIFR-related disorder. Also called: LIFR-related condition.

Allele frequency attached by ClinVar (database versions not stated): ExAC 0.00002; gnomAD exomes 0.00002 and 0.00004; gnomAD 0.00004; TOPMed 0.00005.
gnomAD v4.1: 58 of 1,609,370 alleles (0.0036%); highest among the groups gnomAD compares: Non-Finnish European, 0.0046%; no homozygotes.

Submissions (2):

Labcorp Genetics (formerly Invitae), Labcorp
Classification: Likely benign. Last evaluated: 2026-01-22. Review status: criteria provided, single submitter. Criteria: Invitae Variant Classification Sherloc (09022015). Collection method: clinical testing. Allele origin: germline.

PreventionGenetics, part of Exact Sciences
Classification: Likely benign for LIFR-related condition. Last evaluated: 2019-06-17. Review status: no assertion criteria provided. Collection method: clinical testing. Allele origin: germline. Not counted in ClinVar's aggregate classification.
Comment: This variant is classified as likely benign based on ACMG/AMP sequence variant interpretation guidelines (Richards et al. 2015 PMID: 25741868, with internal and published modifications).

NM_001127671.2(LIFR):c.1260A>G (p.Gln420=)

Gene: LIFR (LIF receptor subunit alpha; minus strand). Cytogenetic location: 5p13.1.
Variant type: single nucleotide variant.
Coding change: c.1260A>G on transcript NM_001127671.2 (MANE Select); coding-DNA position 1260, A replaced by G.
Protein change: p.Gln420=; no amino-acid change (glutamine 420 retained).
Molecular consequence: synonymous variant.
Genome position (GRCh38, 1-based): chr5:38,505,936, T>C on the plus strand (A>G on the coding strand, the complement: LIFR is on the minus strand). VCF-style: chr5-38505936-T-C. GRCh37 (hg19) VCF-style: chr5-38506038-T-C.
Other names: c.1260A>G, p.Gln420= (NM_001364297.2, NM_001364298.2, NM_002310.6); c.1260A>G (NM_002310.5).
Identifiers: ClinVar variation 1401213 (VCV001401213.10), dbSNP rs754095096, ClinGen allele CA3243000.